The following is an entry in ClinVar:

ClinVar aggregate classification (germline): Uncertain significance. Review status: criteria provided, multiple submitters, no conflicts (2 of 4 stars). 2 submissions from 2 submitters: Uncertain significance (2). Last evaluated 2025-12-01.

Conditions:
Inborn genetic diseases. Identifiers: MedGen C0950123, MeSH D030342.

Allele frequency attached by ClinVar (database versions not stated): ExAC 0.00003; gnomAD exomes 0.00004; gnomAD 0.00003.

Submissions (2):

Labcorp Genetics (formerly Invitae), Labcorp
Classification: Uncertain significance. Last evaluated: 2025-12-01. Review status: criteria provided, single submitter. Criteria: Invitae Variant Classification Sherloc (09022015). Collection method: clinical testing. Allele origin: germline.
Comment: This sequence change replaces alanine, which is neutral and non-polar, with glycine, which is neutral and non-polar, at codon 2371 of the ACAN protein (p.Ala2371Gly). This variant is present in population databases (rs762045879, gnomAD 0.009%). This variant has not been reported in the literature in individuals affected with ACAN-related conditions. ClinVar contains an entry for this variant (Variation ID: 3013958). An algorithm developed to predict the effect of missense changes on protein structure and function (PolyPhen-2) suggests that this variant is likely to be disruptive. In summary, the available evidence is currently insufficient to determine the role of this variant in disease. Therefore, it has been classified as a Variant of Uncertain Significance.

Ambry Genetics
Classification: Uncertain significance for Inborn genetic diseases. Last evaluated: 2023-12-31. Review status: criteria provided, single submitter. Criteria: Ambry Variant Classification Scheme 2023. Collection method: clinical testing. Allele origin: germline.

NM_001369268.1(ACAN):c.7226C>G (p.Ala2409Gly)

Gene: ACAN (aggrecan; plus strand). Cytogenetic location: 15q26.1.
Variant type: single nucleotide variant.
Coding change: c.7226C>G on transcript NM_001369268.1 (MANE Select); coding-DNA position 7226, C replaced by G.
Protein change: p.Ala2409Gly; replaces alanine 2409 with glycine.
Molecular consequence: missense variant.
Genome position (GRCh38, 1-based): chr15:88,872,009, C>G. VCF-style: chr15-88872009-C-G. GRCh37 (hg19) VCF-style: chr15-89415240-C-G.
Other names: c.7112C>G (NM_013227.3); c.6998C>G, p.Ala2333Gly (NM_001135.4, NM_001411096.1); c.7112C>G, p.Ala2371Gly (NM_001411097.1, NM_013227.4); short protein forms A2333G, A2371G, A2409G.
Identifiers: ClinVar variation 3013958 (VCV003013958.4), dbSNP rs762045879, ClinGen allele CA7720613.